The following is an entry in ClinVar:

ClinVar aggregate classification (germline): Uncertain significance (1 of 4 stars; one submission).

gnomAD v4.1: 9 of 1,612,622 alleles (0.00056%); highest among the groups gnomAD compares: Non-Finnish European, 0.00076%; no homozygotes.

Submission:

Labcorp Genetics (formerly Invitae), Labcorp
Classification: Uncertain significance. Last evaluated: 2025-12-19. Review status: criteria provided, single submitter. Criteria: Invitae Variant Classification Sherloc (09022015). Collection method: clinical testing. Allele origin: germline.
Comment: This sequence change replaces glycine, which is neutral and non-polar, with valine, which is neutral and non-polar, at codon 1086 of the MICAL1 protein (p.Gly1086Val). This variant is present in population databases (rs371990353, gnomAD 0.0009%). This variant has not been reported in the literature in individuals affected with MICAL1-related conditions. An algorithm developed to predict the effect of missense changes on protein structure and function (PolyPhen-2) suggests that this variant is likely to be disruptive. Algorithms developed to predict the effect of sequence changes on RNA splicing suggest that this variant may create or strengthen a splice site. In summary, the available evidence is currently insufficient to determine the role of this variant in disease. Therefore, it has been classified as a Variant of Uncertain Significance.

NM_022765.4(MICAL1):c.3200G>T (p.Gly1067Val)

Gene: MICAL1 (microtubule associated monooxygenase, calponin and LIM domain containing 1; minus strand). Cytogenetic location: 6q21.
Variant type: single nucleotide variant.
Coding change: c.3200G>T on transcript NM_022765.4 (MANE Select); coding-DNA position 3200, G replaced by T.
Protein change: p.Gly1067Val; replaces glycine 1067 with valine.
Molecular consequence: missense variant.
Genome position (GRCh38, 1-based): chr6:109,444,195, C>A on the plus strand (G>T on the coding strand, the complement: MICAL1 is on the minus strand). VCF-style: chr6-109444195-C-A. GRCh37 (hg19) VCF-style: chr6-109765398-C-A.
Other names: c.2942G>T, p.Gly981Val (NM_001159291.2); c.3257G>T, p.Gly1086Val (NM_001286613.2); short protein forms G1067V, G1086V, G981V.
Identifiers: ClinVar variation 4779153 (VCV004779153.1).